The following is an entry in ClinVar:

ClinVar aggregate classification (germline): Pathogenic (1 of 4 stars; one submission).

Submission:

Labcorp Genetics (formerly Invitae), Labcorp
Classification: Pathogenic. Last evaluated: 2022-06-25. Review status: criteria provided, single submitter. Criteria: Invitae Variant Classification Sherloc (09022015). Collection method: clinical testing. Allele origin: germline.
Comment: For these reasons, this variant has been classified as Pathogenic. This variant has not been reported in the literature in individuals affected with MYO7A-related conditions. This variant is not present in population databases (gnomAD no frequency). This sequence change creates a premature translational stop signal (p.Tyr89*) in the MYO7A gene. It is expected to result in an absent or disrupted protein product. Loss-of-function variants in MYO7A are known to be pathogenic (PMID: 8900236, 25404053).

Literature cited by the submitters: PubMed 8900236; PubMed 25404053.

NM_000260.4(MYO7A):c.267C>G (p.Tyr89Ter)

Gene: MYO7A (myosin VIIA; plus strand). Cytogenetic location: 11q13.5.
Variant type: single nucleotide variant.
Coding change: c.267C>G on transcript NM_000260.4 (MANE Select); coding-DNA position 267, C replaced by G.
Protein change: p.Tyr89Ter; replaces tyrosine 89 with a stop codon.
Molecular consequence: nonsense.
Genome position (GRCh38, 1-based): chr11:77,147,932, C>G. VCF-style: chr11-77147932-C-G. GRCh37 (hg19) VCF-style: chr11-76858978-C-G.
Other names: c.267C>G, p.Tyr89Ter (NM_001127180.2); c.234C>G, p.Tyr78Ter (NM_001369365.1); short protein forms Y78*, Y89*.
Identifiers: ClinVar variation 2010509 (VCV002010509.4), dbSNP rs2496578248, ClinGen allele CA381929356.
Genomic context (GRCh38, chr11:77,147,932, plus strand): 5'-CATGATCCGCCTGGGGGACCTCAACGAGGCGGGCATCTTGCGCAACCTGCTTATCCGCTA[C>G]CGGGACCACCTCATCTACGTGAGTGCCGCCCCGCCCGGTGCCCGTCCAGGCCCCCTCAGG-3'